The following is an entry in ClinVar:

ClinVar aggregate classification (germline): Pathogenic. Review status: criteria provided, single submitter (1 of 4 stars). 3 submissions from 3 submitters: Pathogenic (1). 2 of the submissions do not count toward it. Last evaluated 2025-04-01.

Conditions:
Autoinflammatory syndrome with immunodeficiency. Also called: AUTOINFLAMMATORY SYNDROME, FAMILIAL, WITH OR WITHOUT IMMUNODEFICIENCY. Identifiers: MedGen C5543547, MONDO:0800130, OMIM 619375.
Autoimmune thrombocytopenia. Identifiers: Orphanet 71203, MedGen C0242584, MONDO:0019098, HP:0001973.
Autoimmune hemolytic anemia. Also called: Acquired autoimmune hemolytic anemia; Idiopathic autoimmune hemolytic anemia; Familial auto-immune hemolytic anemia (subtype); Immuno-hemolytic anemia. Identifiers: Orphanet 98375, MedGen C0002880, MONDO:0020108, OMIM 205700, HP:0001890.

Submissions (3):

CeGaT Center for Human Genetics Tuebingen
Classification: Pathogenic. Last evaluated: 2025-04-01. Review status: criteria provided, single submitter. Criteria: CeGaT Center For Human Genetics Tuebingen Variant Classification Criteria Version 2. Collection method: clinical testing. Allele origin: germline. Affected: yes. Observed: 2 variant alleles.
Comment: SOCS1: PVS1, PM2, PP1:Moderate, PS4:Moderate

OMIM
Classification: Pathogenic for AUTOINFLAMMATORY SYNDROME, FAMILIAL, WITH OR WITHOUT IMMUNODEFICIENCY. Last evaluated: 2021-06-17. Review status: no assertion criteria provided. Collection method: literature only. Allele origin: germline. Not counted in ClinVar's aggregate classification.

Immunogenetics of Pediatric Autoimmune Diseases, Institut Imagine
Classification: Likely pathogenic for Autoimmune thrombocytopenic purpura; Autoimmune hemolytic anemia. Last evaluated: 2020-01-01. Review status: no assertion criteria provided. Collection method: research. Allele origin: paternal. Affected: yes. Observed: 3 variant alleles. Not counted in ClinVar's aggregate classification.

Literature cited by the submitters: PubMed 32853638 (cited by OMIM); PubMed 33087723 (cited by OMIM).

NM_003745.2(SOCS1):c.24del (p.Ala9fs)

Genes: SOCS1 (suppressor of cytokine signaling 1; minus strand), LOC130058479 (ATAC-STARR-seq lymphoblastoid silent region 7198; plus strand). Cytogenetic location: 16p13.13.
Variant type: Deletion.
Coding change: c.24del on transcript NM_003745.2 (MANE Select); coding-DNA position 24, one base deleted (A; older notation c.24delA).
Protein change: p.Ala9fs; shifts the reading frame from alanine 9.
Molecular consequence: frameshift variant.
Genome position (GRCh38, 1-based): chr16:11,255,455, T deleted on the plus strand (A on the coding strand, the reverse complement: SOCS1 is on the minus strand). VCF-style (leftmost placement, unchanged base first): chr16-11255454-CT-C. GRCh37 (hg19) VCF-style: chr16-11349311-CT-C.
Other names: c.24delA (NM_003745.1); short protein forms A9fs.
Identifiers: ClinVar variation 977213 (VCV000977213.33), dbSNP rs2069587477, ClinGen allele CA1139664519.